The following is an entry in ClinVar:

NM_001378454.1(ALMS1):c.4378G>C (p.Gly1460Arg)

Gene: ALMS1 (ALMS1 centrosome and basal body associated protein; plus strand). Cytogenetic location: 2p13.1.
Variant type: single nucleotide variant.
Coding change: c.4378G>C on transcript NM_001378454.1 (MANE Select); coding-DNA position 4378, G replaced by C.
Protein change: p.Gly1460Arg; replaces glycine 1460 with arginine.
Molecular consequence: missense variant.
Genome position (GRCh38, 1-based): chr2:73,450,905, G>C. VCF-style: chr2-73450905-G-C. GRCh37 (hg19) VCF-style: chr2-73678032-G-C.
Other names: c.4381G>C, p.Gly1461Arg (NM_015120.4); short protein forms G1460R, G1461R.
Identifiers: ClinVar variation 4984664 (VCV004984664.1).

ClinVar aggregate classification (germline): Uncertain significance (1 of 4 stars; one submission).

Conditions:
ALMS1-related disorder. Also called: ALMS1-related condition.

Submission:

PreventionGenetics, part of Exact Sciences
Classification: Uncertain significance for ALMS1-related condition. Last evaluated: 2025-02-27. Review status: criteria provided, single submitter. Criteria: ACMG Guidelines, 2015. Collection method: clinical testing. Allele origin: germline.
Comment: The ALMS1 c.4381G>C variant is predicted to result in the amino acid substitution p.Val1461Leu. To our knowledge, this variant has not been reported in the literature. This variant is reported in 0.0033% of alleles in individuals of South Asian descent in gnomAD. At this time, the clinical significance of this variant is uncertain due to the absence of conclusive functional and genetic evidence.